The following is an entry in ClinVar:

NM_152564.5(VPS13B):c.3333G>A (p.Pro1111=)

Gene: VPS13B (vacuolar protein sorting 13 homolog B; plus strand). Cytogenetic location: 8q22.2.
Variant type: single nucleotide variant.
Coding change: c.3333G>A on transcript NM_152564.5 (MANE Select); coding-DNA position 3333, G replaced by A.
Protein change: p.Pro1111=; no amino-acid change (proline 1111 retained).
Molecular consequence: synonymous variant.
Genome position (GRCh38, 1-based): chr8:99,442,523, G>A. VCF-style: chr8-99442523-G-A. GRCh37 (hg19) VCF-style: chr8-100454751-G-A.
Other names: c.3333G>A, p.Pro1111= (NM_017890.5); c.3333G>A (NM_152564.4).
Identifiers: ClinVar variation 1103332 (VCV001103332.14), dbSNP rs367791771, ClinGen allele CA4823229.

ClinVar aggregate classification (germline): Likely benign. Review status: criteria provided, multiple submitters, no conflicts (2 of 4 stars). 4 submissions from 4 submitters: Likely benign (3). 1 of the submissions does not count toward it. Last evaluated 2026-01-22.

Conditions:
VPS13B-related disorder. Also called: VPS13B-related condition.
Cohen syndrome (COH1). Also called: Cutis verticis gyrata, retinitis pigmentosa, and sensorineural deafness; PEPPER SYNDROME. Identifiers: Orphanet 193, MedGen C0265223, MONDO:0008999, OMIM 216550.

Allele frequency attached by ClinVar (database versions not stated): gnomAD 0.00001 and 0.00002; gnomAD exomes 0.00002 and 0.00003; TOPMed 0.00003; ExAC 0.00006; ESP Exome Variant Server 0.00008.
gnomAD v4.1: 32 of 1,613,766 alleles (0.002%); highest among the groups gnomAD compares: Middle Eastern, 0.016%; no homozygotes.

Submissions (4):

Labcorp Genetics (formerly Invitae), Labcorp
Classification: Likely benign for Cohen syndrome. Last evaluated: 2026-01-22. Review status: criteria provided, single submitter. Criteria: Invitae Variant Classification Sherloc (09022015). Collection method: clinical testing. Allele origin: germline.

Blueprint Genetics
Classification: Likely benign. Last evaluated: 2023-11-16. Review status: criteria provided, single submitter. Criteria: ACMG Guidelines, 2015. Collection method: clinical testing. Allele origin: germline.

Genetic Services Laboratory, University of Chicago
Classification: Likely benign. Last evaluated: 2019-08-30. Review status: criteria provided, single submitter. Criteria: ACMG Guidelines, 2015. Collection method: clinical testing. Allele origin: germline. Affected: no.

PreventionGenetics, part of Exact Sciences
Classification: Likely benign for VPS13B-related condition. Last evaluated: 2024-04-13. Review status: no assertion criteria provided. Collection method: clinical testing. Allele origin: germline. Not counted in ClinVar's aggregate classification.
Comment: This variant is classified as likely benign based on ACMG/AMP sequence variant interpretation guidelines (Richards et al. 2015 PMID: 25741868, with internal and published modifications).